The following is an entry in ClinVar:

ClinVar aggregate classification (germline): Uncertain significance (1 of 4 stars; one submission).

Allele frequency attached by ClinVar (database versions not stated): gnomAD exomes below 0.00001; TOPMed below 0.00001.

Submission:

GeneDx
Classification: Uncertain significance. Last evaluated: 2025-01-09. Review status: criteria provided, single submitter. Criteria: GeneDx Variant Classification Process June 2021. Collection method: clinical testing. Allele origin: germline.
Comment: Not observed at significant frequency in large population cohorts (gnomAD); In silico analysis supports that this missense variant has a deleterious effect on protein structure/function; Has not been previously published as pathogenic or benign to our knowledge

NM_003560.4(PLA2G6):c.95A>G (p.Tyr32Cys)

Gene: PLA2G6 (phospholipase A2 group VI; minus strand). Cytogenetic location: 22q13.1.
Variant type: single nucleotide variant.
Coding change: c.95A>G on transcript NM_003560.4 (MANE Select); coding-DNA position 95, A replaced by G.
Protein change: p.Tyr32Cys; replaces tyrosine 32 with cysteine.
Molecular consequence: missense variant. On other transcripts: 5 prime UTR variant (3).
Genome position (GRCh38, 1-based): chr22:38,169,332, T>C on the plus strand (A>G on the coding strand, the complement: PLA2G6 is on the minus strand). VCF-style: chr22-38169332-T-C. GRCh37 (hg19) VCF-style: chr22-38565339-T-C.
Other names: c.95A>G, p.Tyr32Cys (NM_001004426.3, NM_001199562.3, NM_001349864.2 and 2 more transcripts); c.-571A>G (NM_001349867.2, NM_001349869.2); c.-396A>G (NM_001349868.2); short protein forms Y32C.
Identifiers: ClinVar variation 1706349 (VCV001706349.3), dbSNP rs1394569276, ClinGen allele CA411520983.